The following is an entry in ClinVar:

ClinVar aggregate classification (germline): Likely benign (0 of 4 stars; one submission).

Conditions:
TBXAS1-related disorder. Also called: TBXAS1-related condition.

Allele frequency attached by ClinVar (database versions not stated): gnomAD exomes 0.00001; gnomAD 0.00002; TOPMed 0.00004.
gnomAD v4.1: 13 of 1,614,048 alleles (0.00081%); highest among the groups gnomAD compares: Admixed American, 0.012%; no homozygotes.

Submission:

PreventionGenetics, part of Exact Sciences
Classification: Likely benign for TBXAS1-related condition. Last evaluated: 2019-02-22. Review status: no assertion criteria provided. Collection method: clinical testing. Allele origin: germline.
Comment: This variant is classified as likely benign based on ACMG/AMP sequence variant interpretation guidelines (Richards et al. 2015 PMID: 25741868, with internal and published modifications).

NM_001061.7(TBXAS1):c.689-7T>C

Gene: TBXAS1 (thromboxane A synthase 1; plus strand). Cytogenetic location: 7q34.
Variant type: single nucleotide variant.
Coding change: c.689-7T>C on transcript NM_001061.7 (MANE Select); 7 bases into the intron before coding-DNA position 689, T replaced by C.
Molecular consequence: intron variant.
Genome position (GRCh38, 1-based): chr7:139,957,627, T>C. VCF-style: chr7-139957627-T-C. GRCh37 (hg19) VCF-style: chr7-139657426-T-C.
Other names: c.689-7T>C (NM_001130966.5, NM_030984.6); c.488-7T>C (NM_001166254.4); c.632-7T>C (NM_001314028.4); c.827-7T>C (NM_001166253.4); c.506-7T>C (NM_001366537.3).
Identifiers: ClinVar variation 3057439 (VCV003057439.2), dbSNP rs980171168, ClinGen allele CA167952937.